The following is an entry in ClinVar:

ClinVar aggregate classification (germline): Uncertain significance. Review status: criteria provided, multiple submitters, no conflicts (2 of 4 stars). 2 submissions from 2 submitters: Uncertain significance (2). Last evaluated 2020-12-29.

Conditions:
Hereditary cancer-predisposing syndrome. Also called: Neoplastic Syndromes, Hereditary; Hereditary neoplastic syndrome; Hereditary Cancer Syndrome; Tumor predisposition. Identifiers: Orphanet 140162, MedGen C0027672, MeSH D009386, MONDO:0015356.

gnomAD v4.1: 1 of 1,611,942 alleles (0.000062%); no homozygotes.

Submissions (2):

Ambry Genetics
Classification: Uncertain significance for Hereditary cancer-predisposing syndrome. Last evaluated: 2020-12-29. Review status: criteria provided, single submitter. Criteria: Ambry Variant Classification Scheme 2023. Collection method: clinical testing. Allele origin: germline.
Comment: The p.G132A variant (also known as c.395G>C), located in coding exon 5 of the PMS2 gene, results from a G to C substitution at nucleotide position 395. The glycine at codon 132 is replaced by alanine, an amino acid with similar properties. This amino acid position is highly conserved in available vertebrate species. In addition, this alteration is predicted to be deleterious by in silico analysis. Since supporting evidence is limited at this time, the clinical significance of this alteration remains unclear.

GeneDx
Classification: Uncertain significance. Last evaluated: 2019-07-02. Review status: criteria provided, single submitter. Criteria: GeneDx Variant Classification Process June 2021. Collection method: clinical testing. Allele origin: germline. Affected: yes.
Comment: Not observed in large population cohorts (Lek 2016); In silico analysis, which includes protein predictors and evolutionary conservation, supports a deleterious effect; Has not been previously published as pathogenic or benign to our knowledge

NM_000535.7(PMS2):c.395G>C (p.Gly132Ala)

Gene: PMS2 (PMS1 homolog 2, mismatch repair system component; minus strand). Cytogenetic location: 7p22.1.
Variant type: single nucleotide variant.
Coding change: c.395G>C on transcript NM_000535.7 (MANE Select); coding-DNA position 395, G replaced by C.
Protein change: p.Gly132Ala; replaces glycine 132 with alanine.
Molecular consequence: missense variant. On other transcripts: 5 prime UTR variant (8), non-coding transcript variant (1).
Genome position (GRCh38, 1-based): chr7:6,002,595, C>G on the plus strand (G>C on the coding strand, the complement: PMS2 is on the minus strand). VCF-style: chr7-6002595-C-G. GRCh37 (hg19) VCF-style: chr7-6042226-C-G.
Other names: c.-11G>C (NM_001322003.2, NM_001322004.2, NM_001322005.2 and 3 more transcripts); c.395G>C, p.Gly132Ala (NM_001322006.2, NM_001322014.2); c.77G>C, p.Gly26Ala (NM_001322007.2, NM_001322008.2); c.-490G>C (NM_001322011.2, NM_001322012.2); c.86G>C, p.Gly29Ala (NM_001322015.2); short protein forms G132A, G26A, G29A.
Identifiers: ClinVar variation 1207170 (VCV001207170.5), dbSNP rs1583403941, ClinGen allele CA366744433.